The following is an entry in ClinVar:

ClinVar aggregate classification (germline): Uncertain significance (1 of 4 stars; one submission).

Conditions:
Familial sleep-related hypermotor epilepsy. Also called: Autosomal Dominant Sleep-Related Hypermotor (Hyperkinetic) Epilepsy. Identifiers: Orphanet 98784, MedGen C3696898, MONDO:0000030.

Allele frequency attached by ClinVar (database versions not stated): gnomAD 0.00004; gnomAD exomes below 0.00001; TOPMed 0.00006; ESP Exome Variant Server 0.00008; ExAC 0.00003.
gnomAD v4.1: 11 of 1,611,836 alleles (0.00068%); highest among the groups gnomAD compares: African/African-American, 0.015%; no homozygotes.

Submission:

Labcorp Genetics (formerly Invitae), Labcorp
Classification: Uncertain significance. Last evaluated: 2025-05-07. Review status: criteria provided, single submitter. Criteria: Invitae Variant Classification Sherloc (09022015). Collection method: clinical testing. Allele origin: germline.
Comment: This sequence change falls in intron 5 of the CHRNA4 gene. It does not directly change the encoded amino acid sequence of the CHRNA4 protein. This variant is present in population databases (rs370147172, gnomAD 0.03%). This variant has not been reported in the literature in individuals affected with CHRNA4-related conditions. ClinVar contains an entry for this variant (Variation ID: 2171028). Algorithms developed to predict the effect of sequence changes on RNA splicing suggest that this variant may disrupt the consensus splice site. In summary, the available evidence is currently insufficient to determine the role of this variant in disease. Therefore, it has been classified as a Variant of Uncertain Significance.

NM_000744.7(CHRNA4):c.1759-19A>C

Gene: CHRNA4 (cholinergic receptor nicotinic alpha 4 subunit; minus strand). Cytogenetic location: 20q13.33.
Variant type: single nucleotide variant.
Coding change: c.1759-19A>C on transcript NM_000744.7 (MANE Select); 19 bases into the intron before coding-DNA position 1759, A replaced by C.
Molecular consequence: intron variant.
Genome position (GRCh38, 1-based): chr20:63,346,882, T>G on the plus strand (A>C on the coding strand, the complement: CHRNA4 is on the minus strand). VCF-style: chr20-63346882-T-G. GRCh37 (hg19) VCF-style: chr20-61978234-T-G.
Other names: c.1231-19A>C (NM_001256573.2).
Identifiers: ClinVar variation 2171028 (VCV002171028.4), dbSNP rs370147172, ClinGen allele CA9957502.
Genomic context (GRCh38, chr20:63,346,882, plus strand): 5'-GCGGTCGATGACCATGGCCACGTACTTCCAGTCCTCCTTCACCTGCAAGCACAGACGCCG[T>G]CACTCCAGCACGGCCCGGCCGCCGCCAGCGGGGACAGCCCTCAGGACCCCGGCGCCGCCG-3'